The following is an entry in ClinVar:

NM_005228.5(EGFR):c.1316C>T (p.Ala439Val)

Gene: EGFR (epidermal growth factor receptor; plus strand). Cytogenetic location: 7p11.2.
Variant type: single nucleotide variant.
Coding change: c.1316C>T on transcript NM_005228.5 (MANE Select); coding-DNA position 1316, C replaced by T.
Protein change: p.Ala439Val; replaces alanine 439 with valine.
Molecular consequence: missense variant.
Genome position (GRCh38, 1-based): chr7:55,160,156, C>T. VCF-style: chr7-55160156-C-T. GRCh37 (hg19) VCF-style: chr7-55227849-C-T.
Other names: c.1181C>T, p.Ala394Val (NM_001346897.2, NM_001346899.2); c.1316C>T, p.Ala439Val (NM_001346898.2, NM_201282.2, NM_201284.2); c.1157C>T, p.Ala386Val (NM_001346900.2); c.515C>T, p.Ala172Val (NM_001346941.2); short protein forms A172V, A386V, A439V, A394V.
Identifiers: ClinVar variation 968252 (VCV000968252.9), dbSNP rs1785622751, ClinGen allele CA367579345.

ClinVar aggregate classification (germline): Uncertain significance (1 of 4 stars; one submission).

Conditions:
EGFR-related lung cancer (EGFR). Identifiers: MedGen CN130014.

Submission:

Labcorp Genetics (formerly Invitae), Labcorp
Classification: Uncertain significance for EGFR-related lung cancer. Last evaluated: 2019-10-25. Review status: criteria provided, single submitter. Criteria: Invitae Variant Classification Sherloc (09022015). Collection method: clinical testing. Allele origin: germline.
Comment: This sequence change replaces alanine with valine at codon 439 of the EGFR protein (p.Ala439Val). The alanine residue is highly conserved and there is a small physicochemical difference between alanine and valine. This variant has not been reported in the literature in individuals with EGFR-related conditions. This variant is not present in population databases (ExAC no frequency). In summary, the available evidence is currently insufficient to determine the role of this variant in disease. Therefore, it has been classified as a Variant of Uncertain Significance. Algorithms developed to predict the effect of missense changes on protein structure and function are either unavailable or do not agree on the potential impact of this missense change (SIFT: "Deleterious"; PolyPhen-2: "Probably Damaging"; Align-GVGD: "Class C0").